The following is an entry in ClinVar:

NM_001613.4(ACTA2):c.324G>A (p.Thr108=)

Gene: ACTA2 (actin alpha 2, smooth muscle; minus strand). Cytogenetic location: 10q23.31.
Variant type: single nucleotide variant.
Coding change: c.324G>A on transcript NM_001613.4 (MANE Select); coding-DNA position 324, G replaced by A.
Protein change: p.Thr108=; no amino-acid change (threonine 108 retained).
Molecular consequence: synonymous variant. On other transcripts: intron variant (1).
Genome position (GRCh38, 1-based): chr10:88,943,842, C>T on the plus strand (G>A on the coding strand, the complement: ACTA2 is on the minus strand). VCF-style: chr10-88943842-C-T. GRCh37 (hg19) VCF-style: chr10-90703599-C-T.
Other names: c.324G>A, p.Thr108= (NM_001141945.3, NM_001320855.2, NM_001406462.1 and 3 more transcripts); c.195G>A, p.Thr65= (NM_001406467.1, NM_001406468.1, NM_001406469.1); c.259-1973G>A (NM_001406466.1).
Identifiers: ClinVar variation 507661 (VCV000507661.13), dbSNP rs750005327, ClinGen allele CA027433.
Genomic context (GRCh38, chr10:88,943,842, plus strand): 5'-GGGTAGCATACTTACTTGAGTCATTTTCTCCCGGTTGGCCTTGGGGTTCAGGGGTGCCTC[C>T]GTGAGCAGGGTGGGATGCTCTTCAGGGGCAACACGAAGCTCATTGTAGAAAGAGTGGTGC-3'
Protein context (NP_001604.1, residues 98-118): VAPEEHPTLL[Thr108=]EAPLNPKANR

ClinVar aggregate classification (germline): Likely benign. Review status: criteria provided, multiple submitters, no conflicts (2 of 4 stars). 3 submissions from 3 submitters: Likely benign (3). Last evaluated 2024-04-14.

Conditions:
Familial thoracic aortic aneurysm and aortic dissection (TAAD). Also called: Thoracic aortic aneurysms and dissections. Identifiers: Orphanet 91387, MedGen C4707243, MONDO:0019625.
Aortic aneurysm, familial thoracic 6 (AAT6). Also called: FAMILIAL THORACIC AORTIC ANEURYSM WITH LIVEDO RETICULARIS AND IRIS FLOCCULI. Identifiers: MedGen C2673186, MONDO:0012730, OMIM 611788.

Allele frequency attached by ClinVar (database versions not stated): ExAC 0.00001; gnomAD exomes 0.00001 and 0.00002; TOPMed 0.00001; gnomAD 0.00004.
gnomAD v4.1: 25 of 1,613,814 alleles (0.0015%); highest among the groups gnomAD compares: South Asian, 0.0088%; no homozygotes.

Submissions (3):

Labcorp Genetics (formerly Invitae), Labcorp
Classification: Likely benign for Aortic aneurysm, familial thoracic 6. Last evaluated: 2024-04-14. Review status: criteria provided, single submitter. Criteria: Invitae Variant Classification Sherloc (09022015). Collection method: clinical testing. Allele origin: germline.

Color Diagnostics, LLC DBA Color Health
Classification: Likely benign for Familial thoracic aortic aneurysm and aortic dissection. Last evaluated: 2018-12-31. Review status: criteria provided, single submitter. Criteria: ACMG Guidelines, 2015. Collection method: clinical testing. Allele origin: germline.

GeneDx
Classification: Likely benign. Last evaluated: 2017-02-24. Review status: criteria provided, single submitter. Criteria: GeneDx Variant Classification (06012015). Collection method: clinical testing. Allele origin: germline. Affected: yes.
Comment: This variant is considered likely benign or benign based on one or more of the following criteria: it is a conservative change, it occurs at a poorly conserved position in the protein, it is predicted to be benign by multiple in silico algorithms, and/or has population frequency not consistent with disease.